The following is an entry in ClinVar:

NM_005159.5(ACTC1):c.447T>C (p.Arg149=)

Genes: ACTC1 (actin alpha cardiac muscle 1; minus strand), GJD2-DT (GJD2 divergent transcript; plus strand). Cytogenetic location: 15q14.
Variant type: single nucleotide variant.
Coding change: c.447T>C on transcript NM_005159.5 (MANE Select); coding-DNA position 447, T replaced by C.
Protein change: p.Arg149=; no amino-acid change (arginine 149 retained).
Molecular consequence: synonymous variant.
Genome position (GRCh38, 1-based): chr15:34,793,252, A>G on the plus strand (T>C on the coding strand, the complement: ACTC1 is on the minus strand). VCF-style: chr15-34793252-A-G. GRCh37 (hg19) VCF-style: chr15-35085453-A-G.
Identifiers: ClinVar variation 700834 (VCV000700834.17), dbSNP rs1315206069, ClinGen allele CA489655617.

ClinVar aggregate classification (germline): Likely benign. Review status: criteria provided, multiple submitters, no conflicts (2 of 4 stars). 7 submissions from 7 submitters: Likely benign (5). 2 of the submissions do not count toward it. Last evaluated 2025-10-29.

Conditions:
Dilated cardiomyopathy 1R (CMD1R). Identifiers: Orphanet 154, Orphanet 54260, MedGen C3150681, MONDO:0013261, OMIM 613424.
Hypertrophic cardiomyopathy 11. Also called: ACTC1-Related Familial Hypertrophic Cardiomyopathy. Identifiers: MedGen C2677506, MONDO:0012799, OMIM 612098.
Atrial septal defect 5 (ASD5). Identifiers: Orphanet 1478, MedGen C2748552, MONDO:0013011, OMIM 612794.
Cardiomyopathy (CMYO). Also called: Cardiomyopathies. Identifiers: Orphanet 167848, MedGen C0878544, MONDO:0004994, HP:0001638. Inheritance: Various modes of inheritance.
Cardiovascular phenotype. Identifiers: MedGen CN230736.
Hypertrophic cardiomyopathy. Also called: HYPERTROPHIC MYOCARDIOPATHY. Identifiers: Orphanet 217569, MedGen C0007194, MeSH D002312, MONDO:0005045, HP:0001639.

Allele frequency attached by ClinVar (database versions not stated): gnomAD 0.00001; gnomAD exomes 0.00002 and 0.00003; TOPMed 0.00002.
gnomAD v4.1: 18 of 1,613,970 alleles (0.0011%); highest among the groups gnomAD compares: Non-Finnish European, 0.0014%; no homozygotes.

Submissions (7):

Labcorp Genetics (formerly Invitae), Labcorp
Classification: Likely benign for Dilated cardiomyopathy 1R; Hypertrophic cardiomyopathy 11; Atrial septal defect 5. Last evaluated: 2025-10-29. Review status: criteria provided, single submitter. Criteria: Invitae Variant Classification Sherloc (09022015). Collection method: clinical testing. Allele origin: germline.

ARUP Laboratories, Molecular Genetics and Genomics, ARUP Laboratories
Classification: Likely benign. Last evaluated: 2024-07-30. Review status: criteria provided, single submitter. Criteria: ARUP Molecular Germline Variant Investigation Process 2024. Collection method: clinical testing. Allele origin: germline.

All of Us Research Program, National Institutes of Health
Classification: Likely benign for Hypertrophic cardiomyopathy. Last evaluated: 2024-02-05. Review status: criteria provided, single submitter. Criteria: ACMG Guidelines, 2015. Collection method: clinical testing. Allele origin: germline. Inheritance: Autosomal dominant inheritance. Observed: 3 variant alleles, 3 heterozygotes.
Comment: This study involves interpretation of variants in research participants for the purpose of population health screening. Participant phenotype was not available at the time of variant classification. Additional details can be found in publication PMID: 35346344, PMCID: PMC8962531

Ambry Genetics
Classification: Likely benign for Cardiovascular phenotype. Last evaluated: 2023-03-16. Review status: criteria provided, single submitter. Criteria: Ambry Variant Classification Scheme 2023. Collection method: clinical testing. Allele origin: germline.

Color Diagnostics, LLC DBA Color Health
Classification: Likely benign for Cardiomyopathy. Last evaluated: 2019-06-26. Review status: criteria provided, single submitter. Criteria: ACMG Guidelines, 2015. Collection method: clinical testing. Allele origin: germline.

Genome Diagnostics Laboratory, University Medical Center Utrecht
Classification: Likely benign. Review status: no assertion criteria provided. Collection method: clinical testing. Allele origin: germline. Affected: yes. Study: VKGL Data-share Consensus. Not counted in ClinVar's aggregate classification.

Joint Genome Diagnostic Labs from Nijmegen and Maastricht, Radboudumc and MUMC+
Classification: Likely benign. Review status: no assertion criteria provided. Collection method: clinical testing. Allele origin: germline. Affected: yes. Study: VKGL Data-share Consensus. Not counted in ClinVar's aggregate classification.